The following is an entry in ClinVar:

NM_003383.5(VLDLR):c.1452C>A (p.Phe484Leu)

Gene: VLDLR (very low density lipoprotein receptor; plus strand). Cytogenetic location: 9p24.2.
Variant type: single nucleotide variant.
Coding change: c.1452C>A on transcript NM_003383.5 (MANE Select); coding-DNA position 1452, C replaced by A.
Protein change: p.Phe484Leu; replaces phenylalanine 484 with leucine.
Molecular consequence: missense variant.
Genome position (GRCh38, 1-based): chr9:2,645,713, C>A. VCF-style: chr9-2645713-C-A. GRCh37 (hg19) VCF-style: chr9-2645713-C-A.
Other names: c.1452C>A, p.Phe484Leu (NM_001018056.3); c.1329C>A, p.Phe443Leu (NM_001322225.2, NM_001322226.2); short protein forms F484L, F443L.
Identifiers: ClinVar variation 437231 (VCV000437231.15), dbSNP rs144724569, ClinGen allele CA4964835.

ClinVar aggregate classification (germline): Uncertain significance. Review status: criteria provided, multiple submitters, no conflicts (2 of 4 stars). 5 submissions from 5 submitters: Uncertain significance (5). Last evaluated 2024-11-27.

Conditions:
Cerebellar ataxia, impaired intellectual development, and dysequilibrium syndrome 1. Also called: VLDLR Cerebellar Hypoplasia; Cerebellar hypoplasia and mental retardation with or without quadrupedal locomotion 1; CEREBELLAR ATAXIA AND MENTAL RETARDATION WITH OR WITHOUT QUADRUPEDAL LOCOMOTION 1; CEREBELLAR ATAXIA, CONGENITAL, AND MENTAL RETARDATION, AUTOSOMAL RECESSIVE; Cerebellar ataxia, mental retardation, and dysequilibrium syndrome 1; Cerebellar ataxia, intellectual disability, and dysequilibrium syndrome 1. Identifiers: Orphanet 1766, MedGen C4551552, MONDO:0024542, OMIM 224050.

Allele frequency attached by ClinVar (database versions not stated): TOPMed 0.00029; ESP Exome Variant Server 0.00077.
gnomAD v4.1: 749 of 1,614,074 alleles (0.046%); highest among the groups gnomAD compares: Non-Finnish European, 0.062%; no homozygotes.

Submissions (5):

Labcorp Genetics (formerly Invitae), Labcorp
Classification: Uncertain significance. Last evaluated: 2024-11-27. Review status: criteria provided, single submitter. Criteria: Invitae Variant Classification Sherloc (09022015). Collection method: clinical testing. Allele origin: germline.
Comment: This sequence change replaces phenylalanine, which is neutral and non-polar, with leucine, which is neutral and non-polar, at codon 484 of the VLDLR protein (p.Phe484Leu). This variant is present in population databases (rs144724569, gnomAD 0.05%). This variant has not been reported in the literature in individuals affected with VLDLR-related conditions. ClinVar contains an entry for this variant (Variation ID: 437231). Invitae Evidence Modeling of protein sequence and biophysical properties (such as structural, functional, and spatial information, amino acid conservation, physicochemical variation, residue mobility, and thermodynamic stability) has been performed for this missense variant. However, the output from this modeling did not meet the statistical confidence thresholds required to predict the impact of this variant on VLDLR protein function. In summary, the available evidence is currently insufficient to determine the role of this variant in disease. Therefore, it has been classified as a Variant of Uncertain Significance.

Blueprint Genetics
Classification: Uncertain significance. Last evaluated: 2024-09-19. Review status: criteria provided, single submitter. Criteria: ACMG Guidelines, 2015. Collection method: clinical testing. Allele origin: germline.

GeneDx
Classification: Uncertain significance. Last evaluated: 2021-11-03. Review status: criteria provided, single submitter. Criteria: GeneDx Variant Classification Process June 2021. Collection method: clinical testing. Allele origin: germline. Affected: yes.
Comment: In silico analysis, which includes protein predictors and evolutionary conservation, supports a deleterious effect; Has not been previously published as pathogenic or benign to our knowledge

Fulgent Genetics
Classification: Uncertain significance for Cerebellar ataxia, impaired intellectual development, and dysequilibrium syndrome 1. Last evaluated: 2021-09-27. Review status: criteria provided, single submitter. Criteria: ACMG Guidelines, 2015. Collection method: clinical testing. Allele origin: unknown.

Genetic Services Laboratory, University of Chicago
Classification: Uncertain significance. Last evaluated: 2016-11-10. Review status: criteria provided, single submitter. Criteria: ACMG Guidelines, 2015. Collection method: clinical testing. Allele origin: germline. Affected: no.